The following is an entry in ClinVar:

ClinVar aggregate classification (germline): Uncertain significance (1 of 4 stars; one submission).

Conditions:
Cardiovascular phenotype. Identifiers: MedGen CN230736.

Submission:

Ambry Genetics
Classification: Uncertain significance for Cardiovascular phenotype. Last evaluated: 2022-08-11. Review status: criteria provided, single submitter. Criteria: Ambry Variant Classification Scheme 2023. Collection method: clinical testing. Allele origin: germline.
Comment: The p.T1660S variant (also known as c.4978A>T), located in coding exon 10 of the ALPK3 gene, results from an A to T substitution at nucleotide position 4978. The threonine at codon 1660 is replaced by serine, an amino acid with similar properties. This amino acid position is conserved. In addition, this alteration is predicted to be tolerated by in silico analysis. Since supporting evidence is limited at this time, the clinical significance of this alteration remains unclear.

NM_020778.5(ALPK3):c.4372A>T (p.Thr1458Ser)

Gene: ALPK3 (alpha kinase 3; plus strand). Cytogenetic location: 15q25.3.
Variant type: single nucleotide variant.
Coding change: c.4372A>T on transcript NM_020778.5 (MANE Select); coding-DNA position 4372, A replaced by T.
Protein change: p.Thr1458Ser; replaces threonine 1458 with serine.
Molecular consequence: missense variant.
Genome position (GRCh38, 1-based): chr15:84,862,877, A>T. VCF-style: chr15-84862877-A-T. GRCh37 (hg19) VCF-style: chr15-85406108-A-T.
Other names: short protein forms T1458S.
Identifiers: ClinVar variation 1744500 (VCV001744500.2), dbSNP rs2505727650, ClinGen allele CA393363401.